The following is an entry in ClinVar:

ClinVar aggregate classification (germline): Benign/Likely benign. Review status: criteria provided, multiple submitters, no conflicts (2 of 4 stars). 6 submissions from 6 submitters: Benign (4); Likely benign (2). Last evaluated 2026-02-01.

Conditions:
Ellis-van Creveld syndrome (EVC). Also called: EVC-Related Ellis-van Creveld Syndrome; EVC2-Related Ellis-van Creveld Syndrome; MESOECTODERMAL DYSPLASIA; Chondroectodermal dysplasia. Identifiers: Orphanet 289, MedGen C0013903, MONDO:0009162, OMIM 225500.
Curry-Hall syndrome (WAD). Also called: WEYERS ACRODENTAL DYSOSTOSIS. Identifiers: Orphanet 952, MedGen C0457013, MONDO:0008673, OMIM 193530.

Allele frequency attached by ClinVar (database versions not stated): gnomAD exomes 0.00091 and 0.00219; ExAC 0.00263; 1000 Genomes Project 0.00639; 1000 Genomes Project 30x 0.00750; gnomAD 0.00844 and 0.00904; ESP Exome Variant Server 0.00853; TOPMed 0.00939.
gnomAD v4.1: 2,667 of 1,614,126 alleles (0.17%); highest among the groups gnomAD compares: African/African-American, 2.7%; 33 homozygotes.

Submissions (6):

Labcorp Genetics (formerly Invitae), Labcorp
Classification: Benign for Curry-Hall syndrome; Ellis-van Creveld syndrome. Last evaluated: 2026-02-01. Review status: criteria provided, single submitter. Criteria: Invitae Variant Classification Sherloc (09022015). Collection method: clinical testing. Allele origin: germline.

ARUP Laboratories, Molecular Genetics and Genomics, ARUP Laboratories
Classification: Benign. Last evaluated: 2023-11-06. Review status: criteria provided, single submitter. Criteria: ARUP Molecular Germline Variant Investigation Process 2024. Collection method: clinical testing. Allele origin: germline.

Illumina Laboratory Services, Illumina
Classification: Benign for Ellis-van Creveld syndrome. Last evaluated: 2018-01-13. Review status: criteria provided, single submitter. Criteria: ICSL Variant Classification Criteria 13 December 2019. Collection method: clinical testing. Allele origin: germline.
Comment: This variant was observed in the ICSL laboratory as part of a predisposition screen in an ostensibly healthy population. It had not been previously curated by ICSL or reported in the Human Gene Mutation Database (HGMD: prior to June 1st, 2018), and was therefore a candidate for classification through an automated scoring system. Utilizing variant allele frequency, disease prevalence and penetrance estimates, and inheritance mode, an automated score was calculated to assess if this variant is too frequent to cause the disease. Based on the score and internal cut-off values, a variant classified as benign is not then subjected to further curation. The score for this variant resulted in a classification of benign for this disease.

GeneDx
Classification: Benign. Last evaluated: 2016-10-10. Review status: criteria provided, single submitter. Criteria: GeneDx Variant Classification (06012015). Collection method: clinical testing. Allele origin: germline. Affected: yes.
Comment: This variant is considered likely benign or benign based on one or more of the following criteria: it is a conservative change, it occurs at a poorly conserved position in the protein, it is predicted to be benign by multiple in silico algorithms, and/or has population frequency not consistent with disease.

Genetic Services Laboratory, University of Chicago
Classification: Likely benign. Last evaluated: 2016-03-04. Review status: criteria provided, single submitter. Criteria: ACMG Guidelines, 2015. Collection method: clinical testing. Allele origin: germline. Affected: no.

Breakthrough Genomics
Classification: Likely benign. Review status: criteria provided, single submitter. Criteria: ACMG Guidelines, 2015. Collection method: not provided. Allele origin: germline. Inheritance: Autosomal recessive inheritance. Affected: yes.

NM_147127.5(EVC2):c.1311A>G (p.Leu437=)

Genes: EVC2 (EvC ciliary complex subunit 2; minus strand), LOC126806961 (BRD4-independent group 4 enhancer GRCh37_chr4:5641443-5642642; plus strand). Cytogenetic location: 4p16.2.
Variant type: single nucleotide variant.
Coding change: c.1311A>G on transcript NM_147127.5 (MANE Select); coding-DNA position 1311, A replaced by G.
Protein change: p.Leu437=; no amino-acid change (leucine 437 retained).
Molecular consequence: synonymous variant.
Genome position (GRCh38, 1-based): chr4:5,640,673, T>C on the plus strand (A>G on the coding strand, the complement: EVC2 is on the minus strand). VCF-style: chr4-5640673-T-C. GRCh37 (hg19) VCF-style: chr4-5642400-T-C.
Other names: c.1071A>G, p.Leu357= (NM_001166136.2).
Identifiers: ClinVar variation 349087 (VCV000349087.29), dbSNP rs77131452, ClinGen allele CA2835095.